The following is an entry in ClinVar:

NM_021954.4(GJA3):c.130G>A (p.Val44Met)

Gene: GJA3 (gap junction protein alpha 3; minus strand). Cytogenetic location: 13q12.11.
Variant type: single nucleotide variant.
Coding change: c.130G>A on transcript NM_021954.4 (MANE Select); coding-DNA position 130, G replaced by A.
Protein change: p.Val44Met; replaces valine 44 with methionine.
Molecular consequence: missense variant.
Genome position (GRCh38, 1-based): chr13:20,143,159, C>T on the plus strand (G>A on the coding strand, the complement: GJA3 is on the minus strand). VCF-style: chr13-20143159-C-T. GRCh37 (hg19) VCF-style: chr13-20717298-C-T.
Other names: short protein forms V44M.
Identifiers: ClinVar variation 639312 (VCV000639312.10), dbSNP rs981126461, ClinGen allele CA387465625.
Genomic context (GRCh38, chr13:20,143,159, plus strand): 5'-CGTTCTCGCAGCCCGGCTGCTGGGTGTTGCAGGTGAAGTCTGACTGCTCATCGCCCCACA[C>T]GTCCTCCGCCGCGGCCCCCAGCACCAAGATGCGGAAGATGAACAGCACGGTCAGCCAAAC-3'
Protein context (NP_068773.2, residues 34-54): ILVLGAAAED[Val44Met]WGDEQSDFTC

ClinVar aggregate classification (germline): Pathogenic/Likely pathogenic. Review status: criteria provided, multiple submitters, no conflicts (2 of 4 stars). 3 submissions from 3 submitters: Pathogenic (1); Likely pathogenic (2). Last evaluated 2025-11-26.

Conditions:
GJA3-related disorder. Also called: GJA3-related condition.
Cataract 14 multiple types. Also called: CATARACT 14, NUCLEAR PULVERULENT; CATARACT 14, NUCLEAR PULVERULENT AND POSTERIOR POLAR; CATARACT 14, NUCLEAR CORALLIFORM; CATARACT 14, EMBRYONAL NUCLEAR; CATARACT 14, COPPOCK-LIKE; CATARACT 14, ZONULAR PULVERULENT. Identifiers: Orphanet 91492, MedGen C1866078, MONDO:0011162, OMIM 601885.

Allele frequency attached by ClinVar (database versions not stated): gnomAD exomes below 0.00001.

Submissions (3):

PreventionGenetics, part of Exact Sciences
Classification: Likely pathogenic for GJA3-related condition. Last evaluated: 2025-11-26. Review status: criteria provided, single submitter. Criteria: ACMG Guidelines, 2015. Collection method: clinical testing. Allele origin: germline.
Comment: The GJA3 c.130G>A variant is predicted to result in the amino acid substitution p.Val44Met. This variant has been reported in individuals with cataracts, including congenital, and has been shown to segregate with disease (Zhou et al. 2010. PubMed ID: 20431721; Ma et al. 2016. PubMed ID: 27275416; Zhang et al. 2018. PubMed ID: 30078984; Bennett and Shiels. 2011. PubMed ID: 21897748). Functional studies in Hela cells showed that the while p.Val44Met variant results in normal expression levels and plasma membrane localization, it also leads to fewer gap junction plaques (Chen et al. 2017. PubMed ID: 29321356). This variant is reported in 0.0029% of alleles in individuals of Latino descent in gnomAD. This variant is interpreted as likely pathogenic.

Dept. Genetics and Cancer, Menzies Institute for Medical Research, University of Tasmania
Classification: Likely pathogenic for Cataract 14 multiple types. Last evaluated: 2023-01-21. Review status: criteria provided, single submitter. Criteria: ACMG Guidelines, 2015. Collection method: curation. Allele origin: germline. Affected: yes.
Comment: Variant identified and curated during a GJA3 specific review of the literature in relation to pediatric or congenital cataract. ACMG-AMP criteria applied: PP1(Strong), PM1, PS4(Supporting), PM2(Supporting), PP3. Original variant report: PMID:20431721;21897748;27275416;30078984. The cataract phenotype/s reported for this variant are: Nuclear with cortical punctate opacities and zonular. Gene review and curation guidelines are outlined in: DOI 10.1080/17469899.2023.2160320

Labcorp Genetics (formerly Invitae), Labcorp
Classification: Pathogenic for Cataract 14 multiple types. Last evaluated: 2022-06-16. Review status: criteria provided, single submitter. Criteria: Invitae Variant Classification Sherloc (09022015). Collection method: clinical testing. Allele origin: germline.
Comment: ClinVar contains an entry for this variant (Variation ID: 639312). For these reasons, this variant has been classified as Pathogenic. Experimental studies have shown that this missense change affects GJA3 function (PMID: 29321356). Algorithms developed to predict the effect of missense changes on protein structure and function are either unavailable or do not agree on the potential impact of this missense change (SIFT: "Deleterious"; PolyPhen-2: "Probably Damaging"; Align-GVGD: "Class C15"). This missense change has been observed in individual(s) with congenital cataracts families (PMID: 20431721, 21897748, 27275416). It has also been observed to segregate with disease in related individuals. This variant is not present in population databases (gnomAD no frequency). This sequence change replaces valine, which is neutral and non-polar, with methionine, which is neutral and non-polar, at codon 44 of the GJA3 protein (p.Val44Met).

Literature cited by the submitters: PubMed 20431721 (cited by Dept. Genetics and Cancer, Menzies Institute for Medical Research, University of Tasmania and Labcorp Genetics (formerly Invitae), Labcorp); PubMed 21897748 (cited by Dept. Genetics and Cancer, Menzies Institute for Medical Research, University of Tasmania and Labcorp Genetics (formerly Invitae), Labcorp); PubMed 27275416 (cited by Dept. Genetics and Cancer, Menzies Institute for Medical Research, University of Tasmania and Labcorp Genetics (formerly Invitae), Labcorp); PubMed 30078984 (cited by Dept. Genetics and Cancer, Menzies Institute for Medical Research, University of Tasmania); PubMed 29321356 (cited by Labcorp Genetics (formerly Invitae), Labcorp).